The following is an entry in ClinVar:

NM_198578.4(LRRK2):c.3640C>T (p.Pro1214Ser)

Gene: LRRK2 (leucine rich repeat kinase 2; plus strand). Cytogenetic location: 12q12.
Variant type: single nucleotide variant.
Coding change: c.3640C>T on transcript NM_198578.4 (MANE Select); coding-DNA position 3640, C replaced by T.
Protein change: p.Pro1214Ser; replaces proline 1214 with serine.
Molecular consequence: missense variant.
Genome position (GRCh38, 1-based): chr12:40,303,997, C>T. VCF-style: chr12-40303997-C-T. GRCh37 (hg19) VCF-style: chr12-40697799-C-T.
Other names: short protein forms P1214S.
Identifiers: ClinVar variation 2453095 (VCV002453095.2), dbSNP rs2499781081, ClinGen allele CA384416624.

ClinVar aggregate classification (germline): Uncertain significance (1 of 4 stars; one submission).

Conditions:
Inborn genetic diseases. Identifiers: MedGen C0950123, MeSH D030342.

Submission:

Ambry Genetics
Classification: Uncertain significance for Inborn genetic diseases. Last evaluated: 2023-01-28. Review status: criteria provided, single submitter. Criteria: Ambry Variant Classification Scheme 2023. Collection method: clinical testing. Allele origin: germline.
Comment: The p.P1214S variant (also known as c.3640C>T), located in coding exon 27 of the LRRK2 gene, results from a C to T substitution at nucleotide position 3640. The proline at codon 1214 is replaced by serine, an amino acid with similar properties. This amino acid position is conserved. In addition, the in silico prediction for this alteration is inconclusive. Since supporting evidence is limited at this time, the clinical significance of this alteration remains unclear.